The following is an entry in ClinVar:

NM_014014.5(SNRNP200):c.4714A>G (p.Thr1572Ala)

Gene: SNRNP200 (small nuclear ribonucleoprotein U5 subunit 200; minus strand). Cytogenetic location: 2q11.2.
Variant type: single nucleotide variant.
Coding change: c.4714A>G on transcript NM_014014.5 (MANE Select); coding-DNA position 4714, A replaced by G.
Protein change: p.Thr1572Ala; replaces threonine 1572 with alanine.
Molecular consequence: missense variant.
Genome position (GRCh38, 1-based): chr2:96,283,584, T>C on the plus strand (A>G on the coding strand, the complement: SNRNP200 is on the minus strand). VCF-style: chr2-96283584-T-C. GRCh37 (hg19) VCF-style: chr2-96949322-T-C.
Other names: short protein forms T1572A.
Identifiers: ClinVar variation 1471359 (VCV001471359.6), dbSNP rs2104339686, ClinGen allele CA347663911.

ClinVar aggregate classification (germline): Uncertain significance (1 of 4 stars; one submission).

Submission:

Labcorp Genetics (formerly Invitae), Labcorp
Classification: Uncertain significance. Last evaluated: 2021-08-28. Review status: criteria provided, single submitter. Criteria: Invitae Variant Classification Sherloc (09022015). Collection method: clinical testing. Allele origin: germline.
Comment: This missense change has been observed in individual(s) with autosomal dominant retinitis pigmentosa (Invitae). In summary, the available evidence is currently insufficient to determine the role of this variant in disease. Therefore, it has been classified as a Variant of Uncertain Significance. Algorithms developed to predict the effect of missense changes on protein structure and function (SIFT, PolyPhen-2, Align-GVGD) all suggest that this variant is likely to be tolerated. This variant is not present in population databases (ExAC no frequency). This sequence change replaces threonine with alanine at codon 1572 of the SNRNP200 protein (p.Thr1572Ala). The threonine residue is moderately conserved and there is a small physicochemical difference between threonine and alanine.